The following is an entry in ClinVar:

NM_001009944.3(PKD1):c.601del (p.His201fs)

Gene: PKD1 (polycystin 1, transient receptor potential channel interacting; minus strand). Cytogenetic location: 16p13.3.
Variant type: Deletion.
Coding change: c.601del on transcript NM_001009944.3 (MANE Select); coding-DNA position 601, one base deleted (C; older notation c.601delC).
Protein change: p.His201fs; shifts the reading frame from histidine 201.
Molecular consequence: frameshift variant.
Genome position (GRCh38, 1-based): chr16:2,118,391, G deleted on the plus strand (C on the coding strand, the reverse complement: PKD1 is on the minus strand); the first of 3 consecutive G bases (chr16:2,118,391-2,118,393); deleting any one gives the same sequence. VCF-style (leftmost placement, unchanged base first): chr16-2118390-TG-T. GRCh37 (hg19) VCF-style: chr16-2168391-TG-T.
Other names: c.601delC (NM_001009944.3); c.601del, p.His201fs (NM_000296.4); short protein forms H201fs.
Identifiers: ClinVar variation 4848462 (VCV004848462.1).

ClinVar aggregate classification (germline): Pathogenic (1 of 4 stars; one submission).

Conditions:
Polycystic kidney disease, adult type (PKD1). Also called: Polycystic Kidney Disease 1, Autosomal Dominant; Polycystic kidney disease 1; Polycystic kidney disease 1, severe; POLYCYSTIC KIDNEY DISEASE 1 WITH OR WITHOUT POLYCYSTIC LIVER DISEASE; POLYCYSTIC KIDNEY DISEASE, ADULT, TYPE I; Polycystic Kidney, Autosomal Dominant. Identifiers: MedGen C3149841, MONDO:0008263, OMIM 173900.

Submission:

Women's Health and Genetics/Laboratory Corporation of America, LabCorp
Classification: Pathogenic for Polycystic kidney disease, adult type. Last evaluated: 2026-04-17. Review status: criteria provided, single submitter. Criteria: LabCorp Variant Classification Summary - May 2015. Collection method: clinical testing. Allele origin: germline.
Comment: Variant summary: PKD1 c.601delC (p.His201ThrfsX89) results in a premature termination codon, predicted to cause a truncation of the encoded protein or absence of the protein due to nonsense mediated decay, which are commonly known mechanisms for disease. The variant was absent in 133932 control chromosomes (gnomAD). To our knowledge, no occurrence of c.601delC in individuals affected with PKD1-related conditions and no experimental evidence demonstrating its impact on protein function have been reported. No submitters have cited clinical-significance assessments for this variant to ClinVar. Based on the evidence outlined above, the variant was classified as pathogenic.